The following is an entry in ClinVar:

NM_001199397.3(NEK1):c.1412G>A (p.Gly471Asp)

Gene: NEK1 (NIMA related kinase 1; minus strand). Cytogenetic location: 4q33.
Variant type: single nucleotide variant.
Coding change: c.1412G>A on transcript NM_001199397.3 (MANE Select); coding-DNA position 1412, G replaced by A.
Protein change: p.Gly471Asp; replaces glycine 471 with aspartic acid.
Molecular consequence: missense variant. On other transcripts: non-coding transcript variant (1).
Genome position (GRCh38, 1-based): chr4:169,555,950, C>T on the plus strand (G>A on the coding strand, the complement: NEK1 is on the minus strand). VCF-style: chr4-169555950-C-T. GRCh37 (hg19) VCF-style: chr4-170477101-C-T.
Other names: c.1412G>A, p.Gly471Asp (NM_001199398.3, NM_001199400.3, NM_001374418.1 and 2 more transcripts); c.1337G>A, p.Gly446Asp (NM_001199399.3); c.1361G>A, p.Gly454Asp (NM_001374420.1); c.1286G>A, p.Gly429Asp (NM_001374421.1); short protein forms G429D, G446D, G454D, G471D.
Identifiers: ClinVar variation 1370611 (VCV001370611.6), dbSNP rs1418453971, ClinGen allele CA358733870.
Genomic context (GRCh38, chr4:169,555,950, plus strand): 5'-CAGAAGCAAAGCATAAGCAACTTCTGCAGAACATAGCCATACCTTTCTGGAAGACCTCGA[C>T]CATATATTTCTCTTTTCCATTTAGCTTCATTATCTTCTGCTCTTTGTTGCTGCATTTGGT-3'
Protein context (NP_001186326.1, residues 461-481): NEAKWKREIY[Gly471Asp]RGLPERGILP

ClinVar aggregate classification (germline): Uncertain significance (1 of 4 stars; one submission).

Conditions:
Short-rib thoracic dysplasia 6 with or without polydactyly (SRTD6). Also called: Majewski Syndrome; SHORT RIB-POLYDACTYLY SYNDROME, TYPE IIA; POLYDACTYLY WITH NEONATAL CHONDRODYSTROPHY, TYPE II; SHORT-RIB THORACIC DYSPLASIA 6 WITH POLYDACTYLY; SHORT-RIB THORACIC DYSPLASIA 6 WITHOUT POLYDACTYLY. Identifiers: MedGen C0024507, MONDO:0009894, OMIM 263520.

Allele frequency attached by ClinVar (database versions not stated): TOPMed below 0.00001.

Submission:

Labcorp Genetics (formerly Invitae), Labcorp
Classification: Uncertain significance for Short-rib thoracic dysplasia 6 with or without polydactyly. Last evaluated: 2025-01-27. Review status: criteria provided, single submitter. Criteria: Invitae Variant Classification Sherloc (09022015). Collection method: clinical testing. Allele origin: germline.
Comment: This sequence change replaces glycine, which is neutral and non-polar, with aspartic acid, which is acidic and polar, at codon 471 of the NEK1 protein (p.Gly471Asp). This variant is not present in population databases (gnomAD no frequency). This variant has not been reported in the literature in individuals affected with NEK1-related conditions. ClinVar contains an entry for this variant (Variation ID: 1370611). Invitae Evidence Modeling of protein sequence and biophysical properties (such as structural, functional, and spatial information, amino acid conservation, physicochemical variation, residue mobility, and thermodynamic stability) indicates that this missense variant is not expected to disrupt NEK1 protein function with a negative predictive value of 95%. In summary, the available evidence is currently insufficient to determine the role of this variant in disease. Therefore, it has been classified as a Variant of Uncertain Significance.